The following is an entry in ClinVar:

NM_138694.4(PKHD1):c.5725C>T (p.Arg1909Trp)

Gene: PKHD1 (PKHD1 ciliary IPT domain containing fibrocystin/polyductin; minus strand). Cytogenetic location: 6p12.2.
Variant type: single nucleotide variant.
Coding change: c.5725C>T on transcript NM_138694.4 (MANE Select); coding-DNA position 5725, C replaced by T.
Protein change: p.Arg1909Trp; replaces arginine 1909 with tryptophan.
Molecular consequence: missense variant.
Genome position (GRCh38, 1-based): chr6:52,010,335, G>A on the plus strand (C>T on the coding strand, the complement: PKHD1 is on the minus strand). VCF-style: chr6-52010335-G-A. GRCh37 (hg19) VCF-style: chr6-51875133-G-A.
Other names: c.5725C>T, p.Arg1909Trp (NM_170724.3); short protein forms R1909W.
Identifiers: ClinVar variation 96411 (VCV000096411.44), dbSNP rs115338476, ClinGen allele CA149516.
Genomic context (GRCh38, chr6:52,010,335, plus strand): 5'-TTTGAATCAGTCTGTAAAAAAGATTTGATTATACCTGAGTGTTCTGGCCCCAGCGTTTCC[G>A]TATCTCAGTAATCTTGACGGTAATTGGCTGATTGGGCGTCTCACACTCCATCTCTGCCTC-3'
Protein context (NP_619639.3, residues 1899-1919): QPITVKITEI[Arg1909Trp]KRWGQNTQGN

ClinVar aggregate classification (germline): Benign/Likely benign. Review status: criteria provided, multiple submitters, no conflicts (2 of 4 stars). 15 submissions from 15 submitters: Benign (6); Likely benign (6). 3 of the submissions do not count toward it. Last evaluated 2026-09-01.

Conditions:
Polycystic kidney disease 4 (PKD4). Also called: POLYCYSTIC KIDNEY AND HEPATIC DISEASE 1; POLYCYSTIC KIDNEY DISEASE, INFANTILE, TYPE I; POLYCYSTIC KIDNEY DISEASE 4 WITH OR WITHOUT POLYCYSTIC LIVER DISEASE; Autosomal Recessive Polycystic Kidney Disease – PKHD1; PKD3. Identifiers: MedGen C4540575, MONDO:0033004, OMIM 263200.
Autosomal recessive polycystic kidney disease (ARPKD). Also called: AR polycystic kidney disease. Identifiers: Orphanet 731, Orphanet 8378, MedGen C0085548, MeSH D017044, MONDO:0009889.

Allele frequency attached by ClinVar (database versions not stated): TOPMed 0.00563; 1000 Genomes Project 30x 0.00671; 1000 Genomes Project 0.00579; gnomAD exomes 0.00054 and 0.00150; ExAC 0.00175; gnomAD 0.00518 and 0.00551; ESP Exome Variant Server 0.00546.
gnomAD v4.1: 1,611 of 1,613,634 alleles (0.1%); highest among the groups gnomAD compares: African/African-American, 1.8%; 11 homozygotes.

Submissions (15):

CeGaT Center for Human Genetics Tuebingen
Classification: Likely benign. Last evaluated: 2026-09-01. Review status: criteria provided, single submitter. Criteria: CeGaT Center For Human Genetics Tuebingen Variant Classification Criteria Version 2. Collection method: clinical testing. Allele origin: germline. Affected: yes. Observed: 5 variant alleles.
Comment: PKHD1: BP4

Labcorp Genetics (formerly Invitae), Labcorp
Classification: Benign for Autosomal recessive polycystic kidney disease. Last evaluated: 2026-02-02. Review status: criteria provided, single submitter. Criteria: Invitae Variant Classification Sherloc (09022015). Collection method: clinical testing. Allele origin: germline.

Genomic Medicine Center of Excellence, King Faisal Specialist Hospital and Research Centre
Classification: Likely benign. Last evaluated: 2025-08-18. Review status: criteria provided, single submitter. Criteria: ACMG Guidelines, 2015. Collection method: clinical testing. Allele origin: germline.

Mayo Clinic Laboratories, Mayo Clinic
Classification: Benign. Last evaluated: 2024-10-23. Review status: criteria provided, single submitter. Criteria: ACMG Guidelines, 2015. Collection method: clinical testing. Allele origin: germline. Observed: 4 variant alleles.
Comment: BS1, BS2, BP4_moderate

Fulgent Genetics
Classification: Likely benign for Polycystic kidney disease 4. Last evaluated: 2022-04-10. Review status: criteria provided, single submitter. Criteria: ACMG Guidelines, 2015. Collection method: clinical testing. Allele origin: unknown.

Women's Health and Genetics/Laboratory Corporation of America, LabCorp
Classification: Benign. Last evaluated: 2022-02-25. Review status: criteria provided, single submitter. Criteria: LabCorp Variant Classification Summary - May 2015. Collection method: clinical testing. Allele origin: germline.
Comment: Variant summary: PKHD1 c.5725C>T (p.Arg1909Trp) results in a non-conservative amino acid change in the encoded protein sequence. Four of five in-silico tools predict a benign effect of the variant on protein function. The variant allele was found at a frequency of 0.0015 in 251488 control chromosomes, predominantly at a frequency of 0.019 within the African or African-American subpopulation in the gnomAD database, including 3 homozygotes. The observed variant frequency within African or African-American control individuals in the gnomAD database is approximately 2 fold of the estimated maximal expected allele frequency for a pathogenic variant in PKHD1 causing Polycystic Kidney And Hepatic Disease phenotype (0.0071), strongly suggesting that the variant is a benign polymorphism found primarily in populations of African or African-American origin. Four clinical diagnostic laboratories have submitted clinical-significance assessments for this variant to ClinVar after 2014 and classified the variant as benign (n=2) and likely benign (n=2). Based on the evidence outlined above, the variant was classified as benign.

GeneDx
Classification: Benign. Last evaluated: 2020-04-01. Review status: criteria provided, single submitter. Criteria: GeneDx Variant Classification Process June 2021. Collection method: clinical testing. Allele origin: germline. Affected: yes.
Comment: This variant is associated with the following publications: (PMID: 27401137, 27843768, 15805161)

Illumina Laboratory Services, Illumina
Classification: Likely benign for Polycystic kidney disease 4. Last evaluated: 2017-04-28. Review status: criteria provided, single submitter. Criteria: ICSL Variant Classification Criteria 13 December 2019. Collection method: clinical testing. Allele origin: germline.
Comment: This variant was observed as part of a predisposition screen in an ostensibly healthy population. A literature search was performed for the gene, cDNA change, and amino acid change (where applicable). Publications were found based on this search. The evidence from the literature, in combination with allele frequency data from public databases where available, was sufficient to determine this variant is unlikely to cause disease. Therefore, this variant is classified as likely benign.

Center for Pediatric Genomic Medicine, Children's Mercy Hospital and Clinics
Classification: Likely benign. Last evaluated: 2015-10-29. Review status: criteria provided, single submitter. Criteria: ACMG Guidelines, 2015. Collection method: clinical testing. Allele origin: germline.
ClinVar note: Converted during submission from Likely Benign to Likely benign.

Eurofins Ntd Llc (ga)
Classification: Benign. Last evaluated: 2013-04-15. Review status: criteria provided, single submitter. Criteria: EGL Classification Definitions 2015. Collection method: clinical testing. Allele origin: germline. Observed: 1 variant allele, 1 heterozygote.

Breakthrough Genomics
Classification: Likely benign. Review status: criteria provided, single submitter. Criteria: ACMG Guidelines, 2015. Collection method: not provided. Allele origin: germline. Inheritance: Autosomal recessive inheritance. Affected: yes.

PreventionGenetics, part of Exact Sciences
Classification: Benign. Review status: criteria provided, single submitter. Criteria: ACMG Guidelines, 2015. Collection method: clinical testing. Allele origin: germline.

Genetic Services Laboratory, University of Chicago
Classification: Benign. Last evaluated: 2022-09-13. Review status: no assertion criteria provided. Collection method: clinical testing. Allele origin: germline. Affected: no. Not counted in ClinVar's aggregate classification.

Natera, Inc.
Classification: Benign for Autosomal recessive polycystic kidney disease. Last evaluated: 2017-06-30. Review status: no assertion criteria provided. Collection method: clinical testing. Allele origin: germline. Not counted in ClinVar's aggregate classification.

Counsyl
Classification: Likely benign for Polycystic kidney disease, infantile type. Last evaluated: 2014-04-09. Review status: no assertion criteria provided. Collection method: literature only. Allele origin: unknown. Inheritance: Autosomal recessive inheritance. Not counted in ClinVar's aggregate classification.

Literature cited by the submitters: PubMed 27401137 (cited by Mayo Clinic Laboratories, Mayo Clinic); PubMed 27843768 (cited by Mayo Clinic Laboratories, Mayo Clinic); PubMed 30476936 (cited by Mayo Clinic Laboratories, Mayo Clinic); PubMed 31488014 (cited by Mayo Clinic Laboratories, Mayo Clinic); PubMed 15805161 (cited by 3 submitters).